The following is an entry in ClinVar:

ClinVar aggregate classification (germline): Pathogenic/Likely pathogenic. Review status: criteria provided, multiple submitters, no conflicts (2 of 4 stars). 9 submissions from 9 submitters: Pathogenic (7); Likely pathogenic (1). 1 of the submissions does not count toward it. Last evaluated 2026-06-15.

Conditions:
Hereditary cancer-predisposing syndrome. Also called: Neoplastic Syndromes, Hereditary; Tumor predisposition; Hereditary neoplastic syndrome; Hereditary Cancer Syndrome. Identifiers: Orphanet 140162, MedGen C0027672, MeSH D009386, MONDO:0015356.
Familial cancer of breast. Also called: Hereditary breast cancer; hereditary breast carcinoma; BREAST CANCER, FAMILIAL. Identifiers: Orphanet 227535, MedGen C0346153, MONDO:0016419, OMIM 114480. Disease mechanism: loss of function.
Ataxia-telangiectasia syndrome (AT). Also called: Ataxia-telangiectasia, complementation group D; Ataxia-telangiectasia, complementation group E; Cerebello-oculocutaneous telangiectasia; Immunodeficiency with ataxia telangiectasia; LOUIS-BAR SYNDROME; Ataxia telangiectasia (A-T). Identifiers: Orphanet 100, MedGen C0004135, MONDO:0008840, OMIM 208900.

gnomAD v4.1: 2 of 1,613,460 alleles (0.00012%); highest among the groups gnomAD compares: Non-Finnish European, 0.00017%; no homozygotes.

Submissions (9):

Women's Health and Genetics/Laboratory Corporation of America, LabCorp
Classification: Pathogenic for Ataxia-telangiectasia syndrome. Last evaluated: 2026-06-15. Review status: criteria provided, single submitter. Criteria: LabCorp Variant Classification Summary - May 2015. Collection method: clinical testing. Allele origin: germline.
Comment: Variant summary: ATM c.2921+1G>C is located in a canonical splice-site and is predicted to affect mRNA splicing resulting in a significantly altered protein due to either exon skipping, shortening, or inclusion of intronic material. Variants that disrupt the consensus splice site are a relatively common cause of aberrant splicing and loss of ATM function. Internal data has shown this variant affects mRNA splicing resulting in skipping of exon 19, and producing a non-functional protein and/or introducing a premature termination codon (Internal data). The variant allele was found at a frequency of 4e-06 in 251304 control chromosomes. c.2921+1G>C has been observed in individual(s) affected with Ataxia-telangiectasia (Wagener_2021). These data indicate that the variant may be associated with disease. ClinVar contains an entry for this variant (Variation ID: 188097). Based on the evidence outlined above, the variant was classified as pathogenic.

Labcorp Genetics (formerly Invitae), Labcorp
Classification: Pathogenic for Ataxia-telangiectasia syndrome. Last evaluated: 2026-01-13. Review status: criteria provided, single submitter. Criteria: Invitae Variant Classification Sherloc (09022015). Collection method: clinical testing. Allele origin: germline.
Comment: This sequence change affects a donor splice site in intron 19 of the ATM gene. RNA analysis indicates that disruption of this splice site induces altered splicing and may result in an absent or altered protein product. This variant is present in population databases (rs587781558, gnomAD 0.0009%). Disruption of this splice site has been observed in individuals with ataxia-telangiectasia (PMID: 8845835, 11298136, 12815592, 23322442). ClinVar contains an entry for this variant (Variation ID: 188097). Studies have shown that disruption of this splice site results in skipping of exon 19, and produces a non-functional protein and/or introduces a premature termination codon (internal data). For these reasons, this variant has been classified as Pathogenic.

Baylor Genetics
Classification: Pathogenic for Familial cancer of breast. Last evaluated: 2023-06-05. Review status: criteria provided, single submitter. Criteria: ACMG Guidelines, 2015. Collection method: clinical testing. Allele origin: unknown.

Ambry Genetics
Classification: Pathogenic for Hereditary cancer-predisposing syndrome. Last evaluated: 2023-02-22. Review status: criteria provided, single submitter. Criteria: Ambry Variant Classification Scheme 2023. Collection method: clinical testing. Allele origin: germline.
Comment: The c.2921+1G>C intronic pathogenic mutation results from a G to C substitution one nucleotide after coding exon 18 of the ATM gene. A similar alteration, c.2921+1G>A (also designated as IVS21+1G>A in the literature), has been identified in a heterozygous state in multiple individuals with ataxia telangiectasia (A-T) and was shown to result in exon skipping (Gilad S et al. Hum Mol Genet, 1996 Apr;5:433-9; Garc&iacute;a-P&eacute;rez MA et al. Clin. Exp. Immunol. 2001 Mar;123:472-80; Castellvi-Bel et al. Hum. Mutat.1999;14:156-62; Mitui M et al. Hum. Mutat. 2003 Jul;22:43-50; Jeddane L et al. Neuromolecular Med. 2013 Jun;15:288-94). In silico splice site analysis predicts that this alteration will weaken the native splice donor site. RNA studies have demonstrated that this alteration results in abnormal splicing in the set of samples tested (Ambry internal data). Alterations that disrupt the canonical splice site are expected to cause aberrant splicing, resulting in an abnormal protein or a transcript that is subject to nonsense-mediated mRNA decay. As such, this alteration is classified as a disease-causing mutation.

GeneDx
Classification: Pathogenic. Last evaluated: 2022-12-05. Review status: criteria provided, single submitter. Criteria: GeneDx Variant Classification Process June 2021. Collection method: clinical testing. Allele origin: germline. Affected: yes.
Comment: Canonical splice site variant predicted to result in a null allele in a gene for which loss of function is a known mechanism of disease; Observed in the compound heterozygous state in an individual with ataxia-telangiectasia and in the homozygous state in an individual with T-ALL and a history of ataxia and failure to thrive (Jeddane et al., 2013; Wagener et al., 2021); Observed in individuals with breast and/or ovarian cancer (Lilyquist et al., 2017; Carter et al., 2018); Not observed at significant frequency in large population cohorts (gnomAD); This variant is associated with the following publications: (PMID: 25186627, 29753700, 30322717, 33840814, 23322442, 28888541)

Color Diagnostics, LLC DBA Color Health
Classification: Likely pathogenic for Hereditary cancer-predisposing syndrome. Last evaluated: 2019-08-15. Review status: criteria provided, single submitter. Criteria: ACMG Guidelines, 2015. Collection method: clinical testing. Allele origin: germline.
Comment: This variant causes a G>C nucleotide substitution at the +1 position of intron 19 of the ATM gene. Splice site prediction tools suggest that this variant may have a significant impact on RNA splicing. Although this prediction has not been confirmed in published RNA studies, this variant is expected to result in an absent or disrupted protein product. Different variants affecting the same position (c.2921+1G>A and c.2921+1G>T) are considered to be disease-causing (ClinVar variation ID: 141182, 142057), suggesting that the reference nucleotide at this position is important for RNA splicing. This variant has been identified in 1/251304 chromosomes in the general population by the Genome Aggregation Database (gnomAD). Loss of ATM function is a known mechanism of disease. Based on available evidence, this variant is classified as Likely Pathogenic.

Revvity Omics, Revvity
Classification: Pathogenic for Ataxia-telangiectasia syndrome. Last evaluated: 2019-02-01. Review status: criteria provided, single submitter. Criteria: ACMG Guidelines, 2015. Collection method: clinical testing. Allele origin: germline.

Department of Pediatric Oncology,  Hematology and Clinical Immunology, University Clinics Duesseldorf
Classification: Pathogenic for Hereditary cancer-predisposing syndrome. Review status: criteria provided, single submitter. Criteria: ACMG Guidelines, 2015. Collection method: research. Allele origin: inherited. Affected: yes. Observed: 1 homozygote.

Counsyl
Classification: Likely pathogenic for Ataxia-telangiectasia syndrome. Last evaluated: 2017-11-08. Review status: no assertion criteria provided. Collection method: clinical testing. Allele origin: unknown. Not counted in ClinVar's aggregate classification.

Literature cited by the submitters: PubMed 33840814 (cited by Women's Health and Genetics/Laboratory Corporation of America, LabCorp); PubMed 8845835 (cited by Labcorp Genetics (formerly Invitae), Labcorp and Ambry Genetics); PubMed 11298136 (cited by Labcorp Genetics (formerly Invitae), Labcorp and Ambry Genetics); PubMed 12815592 (cited by Labcorp Genetics (formerly Invitae), Labcorp); PubMed 23322442 (cited by Labcorp Genetics (formerly Invitae), Labcorp); PubMed 25525159 (cited by Ambry Genetics).

NM_000051.4(ATM):c.2921+1G>C

Gene: ATM (ATM serine/threonine kinase; plus strand). Cytogenetic location: 11q22.3.
Variant type: single nucleotide variant.
Coding change: c.2921+1G>C on transcript NM_000051.4 (MANE Select); the canonical splice donor site of the intron after coding-DNA position 2921, G replaced by C.
Molecular consequence: splice donor variant.
Genome position (GRCh38, 1-based): chr11:108,271,147, G>C. VCF-style: chr11-108271147-G-C. GRCh37 (hg19) VCF-style: chr11-108141874-G-C.
Other names: c.2921+1G>C (NM_001351834.2).
Identifiers: ClinVar variation 188097 (VCV000188097.28), dbSNP rs587781558, ClinGen allele CA334038.